The following is an entry in ClinVar:

ClinVar aggregate classification (germline): Pathogenic (1 of 4 stars; one submission).

Submission:

Labcorp Genetics (formerly Invitae), Labcorp
Classification: Pathogenic. Last evaluated: 2022-11-22. Review status: criteria provided, single submitter. Criteria: Invitae Variant Classification Sherloc (09022015). Collection method: clinical testing. Allele origin: germline.
Comment: For these reasons, this variant has been classified as Pathogenic. ClinVar contains an entry for this variant (Variation ID: 1352397). This premature translational stop signal has been observed in individual(s) with X-linked dominant chondrodysplasia punctata (PMID: 14632217). This variant is not present in population databases (gnomAD no frequency). This sequence change creates a premature translational stop signal (p.Trp12*) in the EBP gene. It is expected to result in an absent or disrupted protein product. Loss-of-function variants in EBP are known to be pathogenic (PMID: 10391218).

Literature cited by the submitters: PubMed 14632217; PubMed 10391218.

NM_006579.3(EBP):c.36G>A (p.Trp12Ter)

Gene: EBP (EBP cholestenol delta-isomerase; plus strand). Cytogenetic location: Xp11.23.
Variant type: single nucleotide variant.
Coding change: c.36G>A on transcript NM_006579.3 (MANE Select); coding-DNA position 36, G replaced by A.
Protein change: p.Trp12Ter; replaces tryptophan 12 with a stop codon.
Molecular consequence: nonsense.
Genome position (GRCh38, 1-based): chrX:48,523,807, G>A. VCF-style: chrX-48523807-G-A. GRCh37 (hg19) VCF-style: chrX-48382195-G-A.
Other names: short protein forms W12*.
Identifiers: ClinVar variation 1352397 (VCV001352397.8), dbSNP rs2147154554, ClinGen allele CA412850797.